The following is an entry in ClinVar:

NM_020921.4(NIN):c.1702C>T (p.Leu568Phe)

Gene: NIN (ninein; minus strand). Cytogenetic location: 14q22.1.
Variant type: single nucleotide variant.
Coding change: c.1702C>T on transcript NM_020921.4 (MANE Select); coding-DNA position 1702, C replaced by T.
Protein change: p.Leu568Phe; replaces leucine 568 with phenylalanine.
Molecular consequence: missense variant.
Genome position (GRCh38, 1-based): chr14:50,763,898, G>A on the plus strand (C>T on the coding strand, the complement: NIN is on the minus strand). VCF-style: chr14-50763898-G-A. GRCh37 (hg19) VCF-style: chr14-51230616-G-A.
Other names: c.1702C>T, p.Leu568Phe (NM_016350.5, NM_182944.3, NM_182946.2); short protein forms L568F.
Identifiers: ClinVar variation 2131069 (VCV002131069.4), dbSNP rs2505953899, ClinGen allele CA389704120.

ClinVar aggregate classification (germline): Uncertain significance (1 of 4 stars; one submission).

Submission:

Labcorp Genetics (formerly Invitae), Labcorp
Classification: Uncertain significance. Last evaluated: 2022-10-07. Review status: criteria provided, single submitter. Criteria: Invitae Variant Classification Sherloc (09022015). Collection method: clinical testing. Allele origin: germline.
Comment: This sequence change replaces leucine, which is neutral and non-polar, with phenylalanine, which is neutral and non-polar, at codon 568 of the NIN protein (p.Leu568Phe). This variant is not present in population databases (gnomAD no frequency). This variant has not been reported in the literature in individuals affected with NIN-related conditions. Algorithms developed to predict the effect of missense changes on protein structure and function output the following: SIFT: "Tolerated"; PolyPhen-2: "Benign"; Align-GVGD: "Class C0". The phenylalanine amino acid residue is found in multiple mammalian species, which suggests that this missense change does not adversely affect protein function. In summary, the available evidence is currently insufficient to determine the role of this variant in disease. Therefore, it has been classified as a Variant of Uncertain Significance.